The following is an entry in ClinVar:

NM_015047.3(EMC1):c.1806T>G (p.Tyr602Ter)

Genes: EMC1 (ER membrane protein complex subunit 1; minus strand), EMC1-AS1 (EMC1 antisense RNA 1; plus strand). Cytogenetic location: 1p36.13.
Variant type: single nucleotide variant.
Coding change: c.1806T>G on transcript NM_015047.3 (MANE Select); coding-DNA position 1806, T replaced by G.
Protein change: p.Tyr602Ter; replaces tyrosine 602 with a stop codon.
Molecular consequence: nonsense.
Genome position (GRCh38, 1-based): chr1:19,231,399, A>C on the plus strand (T>G on the coding strand, the complement: EMC1 is on the minus strand). VCF-style: chr1-19231399-A-C. GRCh37 (hg19) VCF-style: chr1-19557893-A-C.
Other names: c.1803T>G, p.Tyr601Ter (NM_001271427.2, NM_001271428.2); c.1740T>G, p.Tyr580Ter (NM_001271429.2); c.1815T>G, p.Tyr605Ter (NM_001375820.1); c.1812T>G, p.Tyr604Ter (NM_001375821.1); short protein forms Y602*, Y605*, Y580*, Y601*, Y604*.
Identifiers: ClinVar variation 1403731 (VCV001403731.7), dbSNP rs372717647, ClinGen allele CA18815167.
Genomic context (GRCh38, chr1:19,231,399, plus strand): 5'-GGGGCGCTTCAGCACTGGGGGAGCTACCTGACTCCACTTCCCAAAAATGGGATTGAAGAC[A>C]TACAGAGAACTCATTCCCGACTCCTAAAATGAGCAAACTGTCAGGCTCCACCAACAAGAA-3'

ClinVar aggregate classification (germline): Pathogenic/Likely pathogenic. Review status: criteria provided, multiple submitters, no conflicts (2 of 4 stars). 3 submissions from 3 submitters: Pathogenic (2); Likely pathogenic (1). Last evaluated 2025-08-13.

Conditions:
Cerebellar atrophy, visual impairment, and psychomotor retardation;. Also called: Cerebellar atrophy, visual impairment, and psychomotor retardation. Identifiers: MedGen C4225172, MONDO:0014811, OMIM 616875.

Allele frequency attached by ClinVar (database versions not stated): gnomAD 0.00002 and 0.00003; TOPMed 0.00002; ESP Exome Variant Server 0.00008.
gnomAD v4.1: 28 of 1,612,086 alleles (0.0017%); highest among the groups gnomAD compares: Non-Finnish European, 0.0021%; no homozygotes.

Submissions (3):

Clinical Genomics Laboratory, Washington University in St. Louis
Classification: Likely pathogenic for Cerebellar atrophy, visual impairment, and psychomotor retardation;. Last evaluated: 2025-08-13. Review status: criteria provided, single submitter. Criteria: ACMG Guidelines, 2015. Collection method: clinical testing. Allele origin: germline. Affected: yes.
Comment: The EMC1 c.1806T>G (p.Tyr602*) variant, to our knowledge, has not been reported in the medical literature. This variant is only observed in 28/1,612,086 alleles in the general population (gnomAD v4.1.0), indicating it is not a common variant. This variant causes premature termination codon, which is predicted to lead to nonsense mediated decay. Based on available information and the ACMG/AMP guidelines for variant interpretation (Richards S et al., PMID: 25741868), this variant is classified as likely pathogenic.

Variantyx, Inc.
Classification: Pathogenic for Cerebellar atrophy, visual impairment, and psychomotor retardation;. Last evaluated: 2025-08-13. Review status: criteria provided, single submitter. Criteria: Variantyx Assertion Criteria 2022. Collection method: clinical testing. Allele origin: germline. Inheritance: Autosomal recessive inheritance.
Comment: This is a nonsense variant in the EMC1 gene (OMIM: 616846). Pathogenic variants in this gene have been associated with autosomal recessive cerebellar atrophy, visual impairment, and psychomotor delay. This variant introduces a premature termination codon in exon 16 out of 23 and is expected to result in loss of function, which is a known disease mechanism for EMC1 in this disorder (PMID: 26942288) (PVS1). This variant has a 0.0021% maximum allele frequency in non-founder control populations (PM2_Supporting). It has not been reported in individuals with EMC1-related disorders in the databases available for review. Based on the current evidence, this variant is classified as pathogenic for autosomal recessive cerebellar atrophy, visual impairment, and psychomotor delay.

Labcorp Genetics (formerly Invitae), Labcorp
Classification: Pathogenic. Last evaluated: 2025-08-12. Review status: criteria provided, single submitter. Criteria: Invitae Variant Classification Sherloc (09022015). Collection method: clinical testing. Allele origin: germline.
Comment: This sequence change creates a premature translational stop signal (p.Tyr602*) in the EMC1 gene. It is expected to result in an absent or disrupted protein product. Loss-of-function variants in EMC1 are known to be pathogenic (PMID: 26572623, 26942288, 29271071). This variant is present in population databases (rs372717647, gnomAD 0.002%). This variant has not been reported in the literature in individuals affected with EMC1-related conditions. ClinVar contains an entry for this variant (Variation ID: 1403731). For these reasons, this variant has been classified as Pathogenic.

Literature cited by the submitters: PubMed 26942288 (cited by Variantyx, Inc. and Labcorp Genetics (formerly Invitae), Labcorp); PubMed 26572623 (cited by Labcorp Genetics (formerly Invitae), Labcorp); PubMed 29271071 (cited by Labcorp Genetics (formerly Invitae), Labcorp).